The following is an entry in ClinVar:

ClinVar aggregate classification (germline): Likely pathogenic (1 of 4 stars; one submission).

Conditions:
Cataract 4 multiple types. Also called: CATARACT 4, PUNCTATE; CATARACT 4, CRYSTALLINE; CATARACT 4, CENTRAL NUCLEAR; CATARACT 4, NONNUCLEAR POLYMORPHIC CONGENITAL; CATARACT 4, ACULEIFORM; CATARACT 4, MULTIPLE TYPES, WITH OR WITHOUT MICROCORNEA. Identifiers: Orphanet 1377, MedGen C3540850, MONDO:0007281, OMIM 115700.

Submission:

Human Genetics Bochum, Ruhr University Bochum
Classification: Likely pathogenic for Cataract 4 multiple types. Last evaluated: 2024-04-30. Review status: criteria provided, single submitter. Criteria: ACMG Guidelines, 2015. Collection method: clinical testing. Allele origin: germline. Affected: yes.
Comment: ACMG criteria used to clasify this variant: PVS1, PM2_SUP

Literature cited by the submitters: PubMed 33243271.

NM_006891.4(CRYGD):c.392G>A (p.Trp131Ter)

Genes: CRYGD (crystallin gamma D; minus strand), LOC100507443 (uncharacterized LOC100507443; plus strand). Cytogenetic location: 2q33.3.
Variant type: single nucleotide variant.
Coding change: c.392G>A on transcript NM_006891.4 (MANE Select); coding-DNA position 392, G replaced by A.
Protein change: p.Trp131Ter; replaces tryptophan 131 with a stop codon.
Molecular consequence: nonsense.
Genome position (GRCh38, 1-based): chr2:208,121,806, C>T on the plus strand (G>A on the coding strand, the complement: CRYGD is on the minus strand). VCF-style: chr2-208121806-C-T. GRCh37 (hg19) VCF-style: chr2-208986530-C-T.
Other names: short protein forms W131*.
Identifiers: ClinVar variation 4687996 (VCV004687996.1).